The following is an entry in ClinVar:

ClinVar aggregate classification (germline): Benign/Likely benign. Review status: criteria provided, multiple submitters, no conflicts (2 of 4 stars). 6 submissions from 6 submitters: Benign (1); Likely benign (5). Last evaluated 2026-06-24.

Conditions:
Hereditary cancer-predisposing syndrome. Also called: Tumor predisposition; Neoplastic Syndromes, Hereditary; Hereditary Cancer Syndrome; Hereditary neoplastic syndrome. Identifiers: Orphanet 140162, MedGen C0027672, MeSH D009386, MONDO:0015356.
Retinoblastoma (RB1). Also called: RETINOBLASTOMA, SOMATIC. Identifiers: Orphanet 790, MedGen C0035335, MeSH D012175, MONDO:0008380, OMIM 180200, HP:0009919. Disease mechanism: loss of function. Inheritance: Both sporadic and heritable forms are tested..

Allele frequency attached by ClinVar (database versions not stated): gnomAD 0.00001 and 0.00002; gnomAD exomes 0.00001 and 0.00002; ExAC 0.00002; TOPMed 0.00003; ESP Exome Variant Server 0.00008.
gnomAD v4.1: 29 of 1,603,250 alleles (0.0018%); highest among the groups gnomAD compares: Middle Eastern, 0.033%; no homozygotes.

Submissions (6):

Myriad Genetics, Inc.
Classification: Benign for Retinoblastoma. Last evaluated: 2026-06-24. Review status: criteria provided, single submitter. Criteria: Myriad Autosomal Dominant, Autosomal Recessive and X-Linked Classification Criteria (2023). Collection method: clinical testing. Allele origin: unknown.
Comment: This variant is considered benign. This variant is a silent/synonymous amino acid change and it is not expected to impact splicing.

Labcorp Genetics (formerly Invitae), Labcorp
Classification: Likely benign for Retinoblastoma. Last evaluated: 2026-02-03. Review status: criteria provided, single submitter. Criteria: Invitae Variant Classification Sherloc (09022015). Collection method: clinical testing. Allele origin: germline.

All of Us Research Program, National Institutes of Health
Classification: Likely benign for Retinoblastoma. Last evaluated: 2024-04-25. Review status: criteria provided, single submitter. Criteria: ACMG Guidelines, 2015. Collection method: clinical testing. Allele origin: germline. Inheritance: Autosomal dominant inheritance. Observed: 6 variant alleles, 6 heterozygotes.
Comment: This study involves interpretation of variants in research participants for the purpose of population health screening. Participant phenotype was not available at the time of variant classification. Additional details can be found in publication PMID: 35346344, PMCID: PMC8962531

Blueprint Genetics
Classification: Likely benign. Last evaluated: 2023-03-20. Review status: criteria provided, single submitter. Criteria: ACMG Guidelines, 2015. Collection method: clinical testing. Allele origin: germline.

Color Diagnostics, LLC DBA Color Health
Classification: Likely benign for Retinoblastoma. Last evaluated: 2022-04-27. Review status: criteria provided, single submitter. Criteria: ACMG Guidelines, 2015. Collection method: clinical testing. Allele origin: germline.

Ambry Genetics
Classification: Likely benign for Hereditary cancer-predisposing syndrome. Last evaluated: 2018-06-20. Review status: criteria provided, single submitter. Criteria: Ambry Variant Classification Scheme 2023. Collection method: clinical testing. Allele origin: germline.

NM_000321.3(RB1):c.963C>T (p.Tyr321=)

Gene: RB1 (RB transcriptional corepressor 1; plus strand). Cytogenetic location: 13q14.2.
Variant type: single nucleotide variant.
Coding change: c.963C>T on transcript NM_000321.3 (MANE Select); coding-DNA position 963, C replaced by T.
Protein change: p.Tyr321=; no amino-acid change (tyrosine 321 retained).
Molecular consequence: synonymous variant.
Genome position (GRCh38, 1-based): chr13:48,367,517, C>T. VCF-style: chr13-48367517-C-T. GRCh37 (hg19) VCF-style: chr13-48941653-C-T.
Identifiers: ClinVar variation 725894 (VCV000725894.20), dbSNP rs377235036, ClinGen allele CA040090.
Genomic context (GRCh38, chr13:48,367,517, plus strand): 5'-TGTAAAGGATAATTGTCAGTGACTTTTTTCTTTCAAGGTTGAAAATCTTTCTAAACGATA[C>T]GAAGAAATTTATCTTAAAAATAAAGATCTAGATGCAAGATTATTTTTGGATCATGATAAA-3'
Protein context (NP_000312.2, residues 311-331): LPEVENLSKR[Tyr321=]EEIYLKNKDL